The following is an entry in ClinVar:

ClinVar aggregate classification (germline): Uncertain significance (1 of 4 stars; one submission).

Submission:

Ambry Genetics
Classification: Uncertain significance. Last evaluated: 2024-11-24. Review status: criteria provided, single submitter. Criteria: Ambry Variant Classification Scheme 2023. Collection method: clinical testing. Allele origin: germline.
Comment: The p.A1603G variant (also known as c.4808C>G), located in coding exon 19 of the WNK2 gene, results from a C to G substitution at nucleotide position 4808. The alanine at codon 1603 is replaced by glycine, an amino acid with similar properties. This amino acid position is conserved. In addition, this alteration is predicted to be tolerated by in silico analysis. Based on the available evidence, the clinical significance of this variant remains unclear.

NM_006648.4(WNK2):c.4808C>G (p.Ala1603Gly)

Gene: WNK2 (WNK lysine deficient protein kinase 2; plus strand). Cytogenetic location: 9q22.31.
Variant type: single nucleotide variant.
Coding change: c.4808C>G on transcript NM_006648.4 (MANE Select); coding-DNA position 4808, C replaced by G.
Protein change: p.Ala1603Gly; replaces alanine 1603 with glycine.
Molecular consequence: missense variant.
Genome position (GRCh38, 1-based): chr9:93,289,562, C>G. VCF-style: chr9-93289562-C-G. GRCh37 (hg19) VCF-style: chr9-96051844-C-G.
Other names: c.4919C>G, p.Ala1640Gly (NM_001282394.3); short protein forms A1603G, A1640G.
Identifiers: ClinVar variation 3470377 (VCV003470377.1).